The following is an entry in ClinVar:

ClinVar aggregate classification (germline): Likely benign. Review status: criteria provided, single submitter (1 of 4 stars). 2 submissions from 2 submitters: Likely benign (1). 1 of the submissions does not count toward it. Last evaluated 2024-10-04.

Conditions:
TIMP3-related disorder. Also called: TIMP3-related condition.

gnomAD v4.1: 223 of 1,607,822 alleles (0.014%); highest among the groups gnomAD compares: African/African-American, 0.11%; 1 homozygote.

Submissions (2):

Blueprint Genetics
Classification: Likely benign. Last evaluated: 2024-10-04. Review status: criteria provided, single submitter. Criteria: ACMG Guidelines, 2015. Collection method: clinical testing. Allele origin: germline.

PreventionGenetics, part of Exact Sciences
Classification: Likely benign for TIMP3-related condition. Last evaluated: 2019-07-24. Review status: no assertion criteria provided. Collection method: clinical testing. Allele origin: germline. Not counted in ClinVar's aggregate classification.
Comment: This variant is classified as likely benign based on ACMG/AMP sequence variant interpretation guidelines (Richards et al. 2015 PMID: 25741868, with internal and published modifications).

NM_000362.5(TIMP3):c.*2C>T

Genes: SYN3 (synapsin III; minus strand), TIMP3 (TIMP metallopeptidase inhibitor 3; plus strand). Cytogenetic location: 22q12.3.
Variant type: single nucleotide variant.
Coding change: c.*2C>T on transcript NM_000362.5 (MANE Select); 2 bases downstream of the stop codon, C replaced by T.
Molecular consequence: 3 prime UTR variant. On other transcripts: intron variant (7).
Genome position (GRCh38, 1-based): chr22:32,859,379, C>T. VCF-style: chr22-32859379-C-T. GRCh37 (hg19) VCF-style: chr22-33255366-C-T.
Other names: c.708+5536G>A (NM_001369909.1, NM_001135774.2, NM_001369910.1); c.711+5536G>A (NM_001369907.1, NM_003490.4, NM_001369908.1 and 1 more transcripts).
Identifiers: ClinVar variation 3352729 (VCV003352729.2).